The following is an entry in ClinVar:

NM_000138.5(FBN1):c.6675T>G (p.Tyr2225Ter)

Gene: FBN1 (fibrillin 1; minus strand). Cytogenetic location: 15q21.1.
Variant type: single nucleotide variant.
Coding change: c.6675T>G on transcript NM_000138.5 (MANE Select); coding-DNA position 6675, T replaced by G.
Protein change: p.Tyr2225Ter; replaces tyrosine 2225 with a stop codon.
Molecular consequence: nonsense.
Genome position (GRCh38, 1-based): chr15:48,432,930, A>C on the plus strand (T>G on the coding strand, the complement: FBN1 is on the minus strand). VCF-style: chr15-48432930-A-C. GRCh37 (hg19) VCF-style: chr15-48725127-A-C.
Other names: short protein forms Y2225*.
Identifiers: ClinVar variation 1372292 (VCV001372292.6), dbSNP rs1260533788, ClinGen allele CA392333491.

ClinVar aggregate classification (germline): Pathogenic (1 of 4 stars; one submission).

Conditions:
Marfan syndrome (MFS). Also called: Marfan syndrome type 1; Marfan's syndrome; FBN1-Related Marfan Syndrome; MARFAN SYNDROME, TYPE I; Marfan syndrome, classic. Identifiers: Orphanet 284963, Orphanet 558, MedGen C0024796, MONDO:0007947, OMIM 154700.
Familial thoracic aortic aneurysm and aortic dissection (TAAD). Also called: Thoracic aortic aneurysms and dissections. Identifiers: Orphanet 91387, MedGen C4707243, MONDO:0019625.

Submission:

Labcorp Genetics (formerly Invitae), Labcorp
Classification: Pathogenic for Marfan syndrome; Familial thoracic aortic aneurysm and aortic dissection. Last evaluated: 2025-06-08. Review status: criteria provided, single submitter. Criteria: Invitae Variant Classification Sherloc (09022015). Collection method: clinical testing. Allele origin: germline.
Comment: This sequence change creates a premature translational stop signal (p.Tyr2225*) in the FBN1 gene. It is expected to result in an absent or disrupted protein product. Loss-of-function variants in FBN1 are known to be pathogenic (PMID: 17657824, 19293843). This variant is not present in population databases (gnomAD no frequency). This variant has not been reported in the literature in individuals affected with FBN1-related conditions. ClinVar contains an entry for this variant (Variation ID: 1372292). For these reasons, this variant has been classified as Pathogenic.

Literature cited by the submitters: PubMed 17657824; PubMed 19293843.